The following is an entry in ClinVar:

NM_207122.2(EXT2):c.1018G>A (p.Val340Ile)

Gene: EXT2 (exostosin glycosyltransferase 2; plus strand). Cytogenetic location: 11p11.2.
Variant type: single nucleotide variant.
Coding change: c.1018G>A on transcript NM_207122.2 (MANE Select); coding-DNA position 1018, G replaced by A.
Protein change: p.Val340Ile; replaces valine 340 with isoleucine.
Molecular consequence: missense variant.
Genome position (GRCh38, 1-based): chr11:44,126,894, G>A. VCF-style: chr11-44126894-G-A. GRCh37 (hg19) VCF-style: chr11-44148444-G-A.
Other names: c.1117G>A, p.Val373Ile (NM_000401.3); c.1018G>A, p.Val340Ile (NM_001178083.3, NM_001389628.1, NM_001389630.1); short protein forms V340I, V373I.
Identifiers: ClinVar variation 2675226 (VCV002675226.3), dbSNP rs147805922, ClinGen allele CA5955077.

ClinVar aggregate classification (germline): Uncertain significance. Review status: criteria provided, multiple submitters, no conflicts (2 of 4 stars). 2 submissions from 2 submitters: Uncertain significance (2). Last evaluated 2024-08-12.

Conditions:
Exostoses, multiple, type 2 (EXT2). Also called: EXOSTOSES, MULTIPLE, TYPE II; Hereditary Multiple Osteochondromatosis, Type II. Identifiers: Orphanet 321, MedGen C1851413, MONDO:0007586, OMIM 133701.

Allele frequency attached by ClinVar (database versions not stated): gnomAD exomes below 0.00001; ExAC 0.00002; gnomAD 0.00003; TOPMed 0.00005; ESP Exome Variant Server 0.00015.
gnomAD v4.1: 8 of 1,614,068 alleles (0.0005%); highest among the groups gnomAD compares: African/African-American, 0.011%; no homozygotes.

Submissions (2):

Labcorp Genetics (formerly Invitae), Labcorp
Classification: Uncertain significance for Exostoses, multiple, type 2. Last evaluated: 2024-08-12. Review status: criteria provided, single submitter. Criteria: Invitae Variant Classification Sherloc (09022015). Collection method: clinical testing. Allele origin: germline.
Comment: This sequence change replaces valine, which is neutral and non-polar, with isoleucine, which is neutral and non-polar, at codon 340 of the EXT2 protein (p.Val340Ile). This variant is not present in population databases (gnomAD no frequency). This variant has not been reported in the literature in individuals affected with EXT2-related conditions. Invitae Evidence Modeling of protein sequence and biophysical properties (such as structural, functional, and spatial information, amino acid conservation, physicochemical variation, residue mobility, and thermodynamic stability) indicates that this missense variant is not expected to disrupt EXT2 protein function with a negative predictive value of 80%. In summary, the available evidence is currently insufficient to determine the role of this variant in disease. Therefore, it has been classified as a Variant of Uncertain Significance.

Baylor Genetics
Classification: Uncertain significance for Exostoses, multiple, type 2. Last evaluated: 2023-05-12. Review status: criteria provided, single submitter. Criteria: ACMG Guidelines, 2015. Collection method: clinical testing. Allele origin: unknown.